The following is an entry in ClinVar:

ClinVar aggregate classification (germline): Uncertain significance (1 of 4 stars; one submission).

Allele frequency attached by ClinVar (database versions not stated): gnomAD exomes below 0.00001.
gnomAD v4.1: 4 of 1,613,834 alleles (0.00025%); highest among the groups gnomAD compares: Admixed American, 0.0033%; no homozygotes.

Submission:

GeneDx
Classification: Uncertain significance. Last evaluated: 2025-03-14. Review status: criteria provided, single submitter. Criteria: GeneDx Variant Classification Process June 2021. Collection method: clinical testing. Allele origin: germline. Affected: yes.
Comment: Not observed at significant frequency in large population cohorts (gnomAD); Missense variant in a gene in which most reported pathogenic variants are truncating/loss of function; Has not been previously published as pathogenic or benign to our knowledge

NM_001267550.2(TTN):c.99127A>G (p.Ser33043Gly)

Genes: TTN (titin; minus strand), TTN-AS1 (TTN antisense RNA 1; plus strand). Cytogenetic location: 2q31.2.
Variant type: single nucleotide variant.
Coding change: c.99127A>G on transcript NM_001267550.2 (MANE Select); coding-DNA position 99127, A replaced by G.
Protein change: p.Ser33043Gly; replaces serine 33043 with glycine.
Molecular consequence: missense variant. On other transcripts: non-coding transcript variant (1).
Genome position (GRCh38, 1-based): chr2:178,538,702, T>C on the plus strand (A>G on the coding strand, the complement: TTN is on the minus strand). VCF-style: chr2-178538702-T-C. GRCh37 (hg19) VCF-style: chr2-179403429-T-C.
Other names: c.94204A>G, p.Ser31402Gly (NM_001256850.1); c.71932A>G, p.Ser23978Gly (NM_003319.4); c.91423A>G, p.Ser30475Gly (NM_133378.4); c.72307A>G, p.Ser24103Gly (NM_133432.3); c.72508A>G, p.Ser24170Gly (NM_133437.4); short protein forms S23978G, S24103G, S24170G, S30475G, S31402G, S33043G.
Identifiers: ClinVar variation 2575551 (VCV002575551.2), dbSNP rs2468733089, ClinGen allele CA349430897.
Genomic context (GRCh38, chr2:178,538,702, plus strand): 5'-AACCTCCTATTGTGAATTGCTTGTCCTTAATACGTTCCTTATTGCTCTTCTTCCAGGCAC[T>C]GTCTCCAGACTGTCTATATTCAACCCAGTATCCAAGAATTTCTTTACCACCATCACATTC-3'
Protein context (NP_001254479.2, residues 33033-33053): YWVEYRQSGD[Ser33043Gly]AWKKSNKERI